The following is an entry in ClinVar:

ClinVar aggregate classification (germline): Benign/Likely benign. Review status: criteria provided, multiple submitters, no conflicts (2 of 4 stars). 2 submissions from 2 submitters: Benign (1); Likely benign (1). Last evaluated 2021-05-11.

Conditions:
Ehlers-Danlos syndrome, classic type, 2 (EDSCL2). Also called: Ehlers-Danlos syndrome, type 2; Ehlers-Danlos syndrome type 2 (formerly); Ehlers-Danlos Syndrome, Classic Type, COL5A2-Related. Identifiers: Orphanet 287, Orphanet 90318, MedGen C0268336, MONDO:0019568, OMIM 130010.

Allele frequency attached by ClinVar (database versions not stated): TOPMed 0.01405; 1000 Genomes Project 30x 0.01218; gnomAD 0.01358 and 0.01256; 1000 Genomes Project 0.01158.

Submissions (2):

GeneDx
Classification: Likely benign. Last evaluated: 2021-05-11. Review status: criteria provided, single submitter. Criteria: GeneDx Variant Classification Process June 2021. Collection method: clinical testing. Allele origin: germline. Affected: yes.

Illumina Laboratory Services, Illumina
Classification: Benign for Ehlers-Danlos syndrome, classic type, 2. Last evaluated: 2018-01-13. Review status: criteria provided, single submitter. Criteria: ICSL Variant Classification Criteria 13 December 2019. Collection method: clinical testing. Allele origin: germline.
Comment: This variant was observed in the ICSL laboratory as part of a predisposition screen in an ostensibly healthy population. It had not been previously curated by ICSL or reported in the Human Gene Mutation Database (HGMD: prior to June 1st, 2018), and was therefore a candidate for classification through an automated scoring system. Utilizing variant allele frequency, disease prevalence and penetrance estimates, and inheritance mode, an automated score was calculated to assess if this variant is too frequent to cause the disease. Based on the score and internal cut-off values, a variant classified as benign is not then subjected to further curation. The score for this variant resulted in a classification of benign for this disease.

NM_000393.5(COL5A2):c.*1904C>T

Gene: COL5A2 (collagen type V alpha 2 chain; minus strand). Cytogenetic location: 2q32.2.
Variant type: single nucleotide variant.
Coding change: c.*1904C>T on transcript NM_000393.5 (MANE Select); 1904 bases downstream of the stop codon, C replaced by T.
Molecular consequence: 3 prime UTR variant.
Genome position (GRCh38, 1-based): chr2:189,032,166, G>A on the plus strand (C>T on the coding strand, the complement: COL5A2 is on the minus strand). VCF-style: chr2-189032166-G-A. GRCh37 (hg19) VCF-style: chr2-189896892-G-A.
Identifiers: ClinVar variation 333098 (VCV000333098.7), dbSNP rs75096234, ClinGen allele CA10613229.
Genomic context (GRCh38, chr2:189,032,166, plus strand): 5'-GATATACAGGTCAAAATATAACCAGTTTAGGGGAAAATGATGTTGTAAACTAAATATTGA[G>A]AATGAAACTGAAAACAATTAGGCTAAATTCATATGTGATACACTTTGAGACATATGTTTT-3'